The following is an entry in ClinVar:

ClinVar aggregate classification (germline): Likely benign. Review status: criteria provided, multiple submitters, no conflicts (2 of 4 stars). 3 submissions from 3 submitters: Likely benign (3). Last evaluated 2026-01-24.

Allele frequency attached by ClinVar (database versions not stated): ExAC 0.00008; gnomAD 0.00008 and 0.00009; gnomAD exomes 0.00008 and 0.00021; TOPMed 0.00014; ESP Exome Variant Server 0.00023.
gnomAD v4.1: 307 of 1,612,290 alleles (0.019%); highest among the groups gnomAD compares: Non-Finnish European, 0.025%; no homozygotes.

Submissions (3):

Labcorp Genetics (formerly Invitae), Labcorp
Classification: Likely benign. Last evaluated: 2026-01-24. Review status: criteria provided, single submitter. Criteria: Invitae Variant Classification Sherloc (09022015). Collection method: clinical testing. Allele origin: germline.

CeGaT Center for Human Genetics Tuebingen
Classification: Likely benign. Last evaluated: 2025-05-01. Review status: criteria provided, single submitter. Criteria: CeGaT Center For Human Genetics Tuebingen Variant Classification Criteria Version 2. Collection method: clinical testing. Allele origin: germline. Affected: yes. Observed: 1 variant allele.
Comment: MOCS2: BP4, BP7

Blueprint Genetics
Classification: Likely benign. Last evaluated: 2020-12-30. Review status: criteria provided, single submitter. Criteria: ACMG Guidelines, 2015. Collection method: clinical testing. Allele origin: germline.

NM_004531.5(MOCS2):c.276T>C (p.Tyr92=)

Gene: MOCS2 (molybdenum cofactor synthesis 2; minus strand). Cytogenetic location: 5q11.2.
Variant type: single nucleotide variant.
Coding change: c.276T>C on transcript NM_004531.5 (MANE Select); coding-DNA position 276, T replaced by C.
Protein change: p.Tyr92=; no amino-acid change (tyrosine 92 retained).
Molecular consequence: synonymous variant. On other transcripts: 3 prime UTR variant (1).
Genome position (GRCh38, 1-based): chr5:53,101,460, A>G on the plus strand (T>C on the coding strand, the complement: MOCS2 is on the minus strand). VCF-style: chr5-53101460-A-G. GRCh37 (hg19) VCF-style: chr5-52397290-A-G.
Other names: c.*196T>C (NM_176806.4).
Identifiers: ClinVar variation 1103010 (VCV001103010.20), dbSNP rs139559468, ClinGen allele CA3263659.